The following is an entry in ClinVar:

NM_021267.5(CERS1):c.429A>C (p.Ala143=)

Genes: GDF1 (growth differentiation factor 1; minus strand), CERS1 (ceramide synthase 1; minus strand). Cytogenetic location: 19p13.11.
Variant type: single nucleotide variant.
Coding change: c.429A>C on transcript NM_021267.5 (MANE Select); coding-DNA position 429, A replaced by C.
Protein change: p.Ala143=; no amino-acid change (alanine 143 retained).
Molecular consequence: synonymous variant. On other transcripts: 5 prime UTR variant (2).
Genome position (GRCh38, 1-based): chr19:18,884,248, T>G on the plus strand (A>C on the coding strand, the complement: CERS1 is on the minus strand). VCF-style: chr19-18884248-T-G. GRCh37 (hg19) VCF-style: chr19-18995057-T-G.
Other names: c.429A>C, p.Ala143= (NM_198207.3, NM_001387439.1, NM_001387440.1 and 1 more transcripts); c.-474A>C (NM_001387438.1); c.-894A>C (NM_001492.6); c.135A>C, p.Ala45= (NM_001290265.2, NM_001387442.1, NM_001387443.1 and 2 more transcripts).
Identifiers: ClinVar variation 1152244 (VCV001152244.32), dbSNP rs200107216, ClinGen allele CA306249010.

ClinVar aggregate classification (germline): Likely benign. Review status: criteria provided, multiple submitters, no conflicts (2 of 4 stars). 2 submissions from 2 submitters: Likely benign (2). Last evaluated 2025-01-30.

Conditions:
Progressive myoclonic epilepsy type 8. Identifiers: Orphanet 424027, MedGen C5190825, MONDO:0014545, OMIM 616230.

gnomAD v4.1: 57 of 1,612,794 alleles (0.0035%); highest among the groups gnomAD compares: Non-Finnish European, 0.0042%; no homozygotes.

Submissions (2):

Labcorp Genetics (formerly Invitae), Labcorp
Classification: Likely benign for Progressive myoclonic epilepsy type 8. Last evaluated: 2025-01-30. Review status: criteria provided, single submitter. Criteria: Invitae Variant Classification Sherloc (09022015). Collection method: clinical testing. Allele origin: germline.

CeGaT Center for Human Genetics Tuebingen
Classification: Likely benign. Last evaluated: 2023-03-01. Review status: criteria provided, single submitter. Criteria: CeGaT Center For Human Genetics Tuebingen Variant Classification Criteria Version 2. Collection method: clinical testing. Allele origin: germline. Affected: yes. Observed: 1 variant allele.
Comment: CERS1: BP4, BP7